The following is an entry in ClinVar:

ClinVar aggregate classification (germline): Uncertain significance. Review status: criteria provided, multiple submitters, no conflicts (2 of 4 stars). 3 submissions from 3 submitters: Uncertain significance (2). 1 of the submissions does not count toward it. Last evaluated 2022-07-19.

Conditions:
CNGA1-related disorder. Also called: CNGA1-related condition.

Allele frequency attached by ClinVar (database versions not stated): gnomAD 0.00003; TOPMed 0.00003.
gnomAD v4.1: 7 of 1,613,994 alleles (0.00043%); highest among the groups gnomAD compares: African/African-American, 0.0093%; no homozygotes.

Submissions (3):

Labcorp Genetics (formerly Invitae), Labcorp
Classification: Uncertain significance. Last evaluated: 2022-07-19. Review status: criteria provided, single submitter. Criteria: Invitae Variant Classification Sherloc (09022015). Collection method: clinical testing. Allele origin: germline.
Comment: This variant has not been reported in the literature in individuals affected with CNGA1-related conditions. This sequence change replaces valine, which is neutral and non-polar, with isoleucine, which is neutral and non-polar, at codon 532 of the CNGA1 protein (p.Val532Ile). This variant is present in population databases (no rsID available, gnomAD 0.01%). ClinVar contains an entry for this variant (Variation ID: 866044). Algorithms developed to predict the effect of missense changes on protein structure and function output the following: SIFT: "Tolerated"; PolyPhen-2: "Benign"; Align-GVGD: "Class C0". The isoleucine amino acid residue is found in multiple mammalian species, which suggests that this missense change does not adversely affect protein function. In summary, the available evidence is currently insufficient to determine the role of this variant in disease. Therefore, it has been classified as a Variant of Uncertain Significance.

Blueprint Genetics
Classification: Uncertain significance. Last evaluated: 2022-04-18. Review status: criteria provided, single submitter. Criteria: ACMG Guidelines, 2015. Collection method: clinical testing. Allele origin: germline.

PreventionGenetics, part of Exact Sciences
Classification: Uncertain significance for CNGA1-related condition. Last evaluated: 2024-09-10. Review status: no assertion criteria provided. Collection method: clinical testing. Allele origin: germline. Not counted in ClinVar's aggregate classification.
Comment: The CNGA1 c.1594G>A variant is predicted to result in the amino acid substitution p.Val532Ile. To our knowledge, this variant has not been reported in the literature. This variant is reported in 0.011% of alleles in individuals of African descent in gnomAD. At this time, the clinical significance of this variant is uncertain due to the absence of conclusive functional and genetic evidence.

NM_001379270.1(CNGA1):c.1582G>A (p.Val528Ile)

Genes: CNGA1 (cyclic nucleotide gated channel subunit alpha 1; minus strand), LOC101927157 (uncharacterized LOC101927157; plus strand). Cytogenetic location: 4p12.
Variant type: single nucleotide variant.
Coding change: c.1582G>A on transcript NM_001379270.1 (MANE Select); coding-DNA position 1582, G replaced by A.
Protein change: p.Val528Ile; replaces valine 528 with isoleucine.
Molecular consequence: missense variant.
Genome position (GRCh38, 1-based): chr4:47,936,900, C>T on the plus strand (G>A on the coding strand, the complement: CNGA1 is on the minus strand). VCF-style: chr4-47936900-C-T. GRCh37 (hg19) VCF-style: chr4-47938917-C-T.
Other names: c.1582G>A, p.Val528Ile (NM_000087.5, NM_001142564.2); short protein forms V528I.
Identifiers: ClinVar variation 866044 (VCV000866044.8), dbSNP rs1018800266, ClinGen allele CA96688450.